The following is an entry in ClinVar:

ClinVar aggregate classification (germline): Pathogenic/Likely pathogenic. Review status: criteria provided, multiple submitters, no conflicts (2 of 4 stars). 7 submissions from 7 submitters: Pathogenic (4); Likely pathogenic (2). 1 of the submissions does not count toward it. Last evaluated 2026-07-08.

Conditions:
RDH12-related disorder. Also called: RDH12-related disorders; RDH12-related condition.
Retinal dystrophy. Also called: Inherited retinal dystrophy. Identifiers: Orphanet 71862, MedGen C0854723, MeSH D058499, MONDO:0019118, HP:0000556.
Leber congenital amaurosis 13 (LCA13). Identifiers: MedGen C2675186, MONDO:0012990, OMIM 612712.
Leber congenital amaurosis (LCA). Also called: Leber's amaurosis. Identifiers: Orphanet 65, MedGen C0339527, MeSH D057130, MONDO:0018998.

gnomAD v4.1: 20 of 1,614,128 alleles (0.0012%); highest among the groups gnomAD compares: South Asian, 0.013%; no homozygotes.

Submissions (7):

PreventionGenetics, part of Exact Sciences
Classification: Pathogenic for RDH12-related condition. Last evaluated: 2026-07-08. Review status: criteria provided, single submitter. Criteria: ACMG Guidelines, 2015. Collection method: clinical testing. Allele origin: germline.
Comment: The RDH12 c.609C>A variant is predicted to result in the amino acid substitution p.Ser203Arg. This variant has been reported in the homozygous state in individuals with retinal dystrophy (Mackay et al. 2011. PubMed ID: 22065924; Supplemental, Holtan et al. 2019. PubMed ID: 31429209; Table S1, Karali et al. 2022. PubMed ID: 36460718; Table S1, Lin et al. 2024. PubMed ID: 38219857). This missense variant is predicted to be damaging to the encoded protein (REVEL score >0.773, Ioannidis et al. 2016. PubMed ID: 27666373). This variant is present in 0.020% of alleles in individuals of South Asian descent in gnomAD. This variant is interpreted as pathogenic.

Labcorp Genetics (formerly Invitae), Labcorp
Classification: Pathogenic for Leber congenital amaurosis 13. Last evaluated: 2025-12-20. Review status: criteria provided, single submitter. Criteria: Invitae Variant Classification Sherloc (09022015). Collection method: clinical testing. Allele origin: germline.
Comment: This sequence change replaces serine, which is neutral and polar, with arginine, which is basic and polar, at codon 203 of the RDH12 protein (p.Ser203Arg). This variant is present in population databases (rs753959716, gnomAD 0.02%). This missense change has been observed in individuals with autosomal recessive Leber congenital amaurosis and retinal dystrophy (PMID: 22065924, 28418496; internal data). It has also been observed to segregate with disease in related individuals. ClinVar contains an entry for this variant (Variation ID: 663830). Invitae Evidence Modeling of protein sequence and biophysical properties (such as structural, functional, and spatial information, amino acid conservation, physicochemical variation, residue mobility, and thermodynamic stability) indicates that this missense variant is expected to disrupt RDH12 protein function with a positive predictive value of 80%. For these reasons, this variant has been classified as Pathogenic.

Natera, Inc.
Classification: Likely pathogenic for Leber congenital amaurosis. Last evaluated: 2025-04-13. Review status: criteria provided, single submitter. Criteria: Natera Variant Classification Schema (03/2026). Collection method: clinical testing. Allele origin: germline.
Comment: The c.609C>A variant in RDH12 is a missense variant predicted to cause substitution of serine to arginine at amino acid 203. This variant is rare in the general population with a frequency below the threshold expected for the associated phenotype(s). This variant has been observed in one or more individuals affected with the associated recessive disease, as either homozygous or compound heterozygous with a second variant (PMID: 22065924). Additionally, this variant has been observed to segregate in affected family members (PMID: 28418496, 40043730). Computational prediction algorithms indicate this variant is likely to affect gene or protein function. Given the available evidence, this variant is classified as Likely Pathogenic.

Ophthalmic Genetics Group, Institute of Molecular and Clinical Ophthalmology Basel
Classification: Likely pathogenic for Retinal dystrophy. Last evaluated: 2024-05-27. Review status: criteria provided, single submitter. Criteria: ACMG Guidelines, 2015. Collection method: research. Allele origin: germline. Affected: yes. Observed: 1 variant allele.
Comment: This variant was classified as Likely pathogenic based on ACMG criteria: PM1_mod, PM2_mod, PM5_mod, PP2_sup, PP3_sup and PP5_sup

Blueprint Genetics
Classification: Pathogenic for RDH12-related disorders. Last evaluated: 2023-07-01. Review status: criteria provided, single submitter. Criteria: ACMG Guidelines, 2015. Collection method: clinical testing. Allele origin: germline. Affected: yes. Observed: 5 variant alleles.

Revvity Omics, Revvity
Classification: Pathogenic for Leber congenital amaurosis 13. Last evaluated: 2022-06-17. Review status: criteria provided, single submitter. Criteria: ACMG Guidelines, 2015. Collection method: clinical testing. Allele origin: germline.

Department of Pathology and Laboratory Medicine, Sinai Health System
Classification: Uncertain significance for Leber congenital amaurosis 13. Last evaluated: 2023-02-20. Review status: flagged submission. Criteria: ACMG Guidelines, 2015. Collection method: research. Allele origin: germline. Not counted in ClinVar's aggregate classification.
ClinVar note: Reason: Outlier claim with insufficient supporting evidence

Literature cited by the submitters: PubMed 22065924 (cited by 3 submitters); PubMed 28418496 (cited by 3 submitters); PubMed 40043730 (cited by Natera, Inc.); PubMed 40180963 (cited by Ophthalmic Genetics Group, Institute of Molecular and Clinical Ophthalmology Basel).

NM_152443.3(RDH12):c.609C>A (p.Ser203Arg)

Genes: GPHN (gephyrin; plus strand), RDH12 (retinol dehydrogenase 12; plus strand). Cytogenetic location: 14q24.1.
Variant type: single nucleotide variant.
Coding change: c.609C>A on transcript NM_152443.3 (MANE Select); coding-DNA position 609, C replaced by A.
Protein change: p.Ser203Arg; replaces serine 203 with arginine.
Molecular consequence: missense variant.
Genome position (GRCh38, 1-based): chr14:67,727,141, C>A. VCF-style: chr14-67727141-C-A. GRCh37 (hg19) VCF-style: chr14-68193858-C-A.
Other names: NP_689656.2:p.(Ser203Arg); short protein forms S203R.
Identifiers: ClinVar variation 663830 (VCV000663830.22), dbSNP rs753959716, ClinGen allele CA7238759.
Genomic context (GRCh38, chr14:67,727,141, plus strand): 5'-TCCCTTCCACGACCTCCAGAGCGAGAAGCGCTACAGCAGGGGTTTTGCCTATTGCCACAG[C>A]AAGCTGGCCAATGTGCTTTTTACTCGTGAGCTGGCCAAGAGGCTCCAAGGTAAGTCTGGA-3'
Protein context (NP_689656.2, residues 193-213): RYSRGFAYCH[Ser203Arg]KLANVLFTRE